The following is an entry in ClinVar:

ClinVar aggregate classification (germline): Pathogenic. Review status: criteria provided, multiple submitters, no conflicts (2 of 4 stars). 2 submissions from 2 submitters: Pathogenic (2). Last evaluated 2026-07-01.

Conditions:
Parkinson disease, late-onset (PD). Also called: PARKINSON DISEASE, LATE-ONSET, SUSCEPTIBILITY TO; Susceptibility to Parkinson's Disease; Hereditary late onset Parkinson disease. Identifiers: Orphanet 411602, MedGen C3160718, MONDO:0008199, OMIM 168600.

Submissions (2):

CeGaT Center for Human Genetics Tuebingen
Classification: Pathogenic. Last evaluated: 2026-07-01. Review status: criteria provided, single submitter. Criteria: CeGaT Center For Human Genetics Tuebingen Variant Classification Criteria Version 2. Collection method: clinical testing. Allele origin: germline. Affected: yes. Observed: 1 variant allele.
Comment: GBA1: PVS1, PM2, PM3:Supporting

Human Genetics Bochum, Ruhr University Bochum
Classification: Pathogenic for Parkinson disease, late-onset. Last evaluated: 2025-10-20. Review status: criteria provided, single submitter. Criteria: ACMG Guidelines, 2015. Collection method: clinical testing. Allele origin: germline. Affected: yes.
Comment: ACMG criteria used to clasify this variant: PVS1, PM2_SUP

NM_000157.4(GBA1):c.745del (p.Ala249fs)

Genes: GBA1 (glucosylceramidase beta 1; minus strand), LOC106627981 (GBA recombination region; plus strand). Cytogenetic location: 1q22.
Variant type: Deletion.
Coding change: c.745del on transcript NM_000157.4 (MANE Select); coding-DNA position 745, one base deleted (G; older notation c.745delG).
Protein change: p.Ala249fs; shifts the reading frame from alanine 249.
Molecular consequence: frameshift variant.
Genome position (GRCh38, 1-based): chr1:155,238,150, C deleted on the plus strand (G on the coding strand, the reverse complement: GBA1 is on the minus strand); the first of 3 consecutive C bases (chr1:155,238,150-155,238,152); deleting any one gives the same sequence. VCF-style (leftmost placement, unchanged base first): chr1-155238149-GC-G. GRCh37 (hg19) VCF-style: chr1-155207940-GC-G.
Other names: c.745del, p.Ala249fs (NM_001005741.3, NM_001005742.3); c.484del, p.Ala162fs (NM_001171811.2); c.598del, p.Ala200fs (NM_001171812.2); short protein forms A162fs, A200fs, A249fs.
Identifiers: ClinVar variation 4687966 (VCV004687966.2).